The following is an entry in ClinVar:

ClinVar aggregate classification (germline): Uncertain significance (1 of 4 stars; one submission).

Submission:

GeneDx
Classification: Uncertain significance. Last evaluated: 2022-12-15. Review status: criteria provided, single submitter. Criteria: GeneDx Variant Classification Process June 2021. Collection method: clinical testing. Allele origin: germline. Affected: yes.
Comment: Not observed at significant frequency in large population cohorts (gnomAD); In silico analysis supports that this missense variant has a deleterious effect on protein structure/function; Has not been previously published as pathogenic or benign to our knowledge

NM_001009944.3(PKD1):c.4808C>T (p.Ser1603Phe)

Gene: PKD1 (polycystin 1, transient receptor potential channel interacting; minus strand). Cytogenetic location: 16p13.3.
Variant type: single nucleotide variant.
Coding change: c.4808C>T on transcript NM_001009944.3 (MANE Select); coding-DNA position 4808, C replaced by T.
Protein change: p.Ser1603Phe; replaces serine 1603 with phenylalanine.
Molecular consequence: missense variant.
Genome position (GRCh38, 1-based): chr16:2,110,359, G>A on the plus strand (C>T on the coding strand, the complement: PKD1 is on the minus strand). VCF-style: chr16-2110359-G-A. GRCh37 (hg19) VCF-style: chr16-2160360-G-A.
Other names: c.4808C>T, p.Ser1603Phe (NM_000296.4); short protein forms S1603F.
Identifiers: ClinVar variation 2505694 (VCV002505694.1), dbSNP rs2544818283, ClinGen allele CA394379216.